The following is an entry in ClinVar:

ClinVar aggregate classification (germline): Uncertain significance (1 of 4 stars; one submission).

Allele frequency attached by ClinVar (database versions not stated): TOPMed below 0.00001.
gnomAD v4.1: 3 of 1,613,876 alleles (0.00019%); highest among the groups gnomAD compares: South Asian, 0.0011%; no homozygotes.

Submission:

GeneDx
Classification: Uncertain significance. Last evaluated: 2020-03-04. Review status: criteria provided, single submitter. Criteria: GeneDx Variant Classification Process June 2021. Collection method: clinical testing. Allele origin: germline. Affected: yes.
Comment: In silico analysis supports that this missense variant has a deleterious effect on protein structure/function; Has not been previously published as pathogenic or benign to our knowledge

NM_004380.3(CREBBP):c.1855G>A (p.Ala619Thr)

Gene: CREBBP (CREB binding protein; minus strand). Cytogenetic location: 16p13.3.
Variant type: single nucleotide variant.
Coding change: c.1855G>A on transcript NM_004380.3 (MANE Select); coding-DNA position 1855, G replaced by A.
Protein change: p.Ala619Thr; replaces alanine 619 with threonine.
Molecular consequence: missense variant.
Genome position (GRCh38, 1-based): chr16:3,778,786, C>T on the plus strand (G>A on the coding strand, the complement: CREBBP is on the minus strand). VCF-style: chr16-3778786-C-T. GRCh37 (hg19) VCF-style: chr16-3828787-C-T.
Other names: c.1741G>A, p.Ala581Thr (NM_001079846.1); short protein forms A581T, A619T.
Identifiers: ClinVar variation 1315400 (VCV001315400.2), dbSNP rs1013334018, ClinGen allele CA276973969.
Genomic context (GRCh38, chr16:3,778,786, plus strand): 5'-CCCCTTCCACTTTCTTAGCATAGGCTACCAGGTTTTCCATGCGGCGATCCTTTAGAGCTG[C>T]GGGATCAGGTGTTGGGAAGATGGCTTGGACGCTGAAAGGATAACACATCTATCAAACTAC-3'
Protein context (NP_004371.2, residues 609-629): VQAIFPTPDP[Ala619Thr]ALKDRRMENL